The following is an entry in ClinVar:

ClinVar aggregate classification (germline): Benign/Likely benign. Review status: criteria provided, multiple submitters, no conflicts (2 of 4 stars). 7 submissions from 7 submitters: Benign (2); Likely benign (5). Last evaluated 2026-01-15.

Conditions:
Exostoses, multiple, type 1 (EXT1). Also called: EXOSTOSES, MULTIPLE, TYPE I; Hereditary Multiple Osteochondromatosis, Type I. Identifiers: MedGen CN263289, MONDO:0007585, OMIM 133700.
Multiple congenital exostosis (EXT). Also called: MULTIPLE CARTILAGINOUS EXOSTOSES; Multiple exostoses; Hereditary multiple osteochondromas; Hereditary multiple exostoses; Hereditary multiple exostosis; Multiple osteochondromas. Identifiers: Orphanet 321, MedGen C0015306, MONDO:0005508, HP:0002762.

Allele frequency attached by ClinVar (database versions not stated): gnomAD exomes 0.00039 and 0.00107; ExAC 0.00126; gnomAD 0.00385 and 0.00404; TOPMed 0.00462; 1000 Genomes Project 0.00499; ESP Exome Variant Server 0.00507; 1000 Genomes Project 30x 0.00547.
gnomAD v4.1: 1,173 of 1,614,130 alleles (0.073%); highest among the groups gnomAD compares: African/African-American, 1.4%; 10 homozygotes.

Submissions (7):

Labcorp Genetics (formerly Invitae), Labcorp
Classification: Benign for Multiple congenital exostosis. Last evaluated: 2026-01-15. Review status: criteria provided, single submitter. Criteria: Invitae Variant Classification Sherloc (09022015). Collection method: clinical testing. Allele origin: germline.

Mayo Clinic Laboratories, Mayo Clinic
Classification: Likely benign. Last evaluated: 2025-06-11. Review status: criteria provided, single submitter. Criteria: ACMG Guidelines, 2015. Collection method: clinical testing. Allele origin: germline. Observed: 1 variant allele.
Comment: BS1, BP4, BP7

Blueprint Genetics
Classification: Likely benign. Last evaluated: 2024-11-25. Review status: criteria provided, single submitter. Criteria: ACMG Guidelines, 2015. Collection method: clinical testing. Allele origin: germline.

KCCC/NGS Laboratory, Kuwait Cancer Control Center
Classification: Likely benign for Exostoses, multiple, type 1. Last evaluated: 2023-07-07. Review status: criteria provided, single submitter. Criteria: ACMG Guidelines, 2015. Collection method: clinical testing. Allele origin: germline. Affected: yes.

GeneDx
Classification: Likely benign. Last evaluated: 2018-05-29. Review status: criteria provided, single submitter. Criteria: GeneDx Variant Classification (06012015). Collection method: clinical testing. Allele origin: germline. Affected: yes.
Comment: This variant is considered likely benign or benign based on one or more of the following criteria: it is a conservative change, it occurs at a poorly conserved position in the protein, it is predicted to be benign by multiple in silico algorithms, and/or has population frequency not consistent with disease.

Illumina Laboratory Services, Illumina
Classification: Benign for Exostoses, multiple, type 1. Last evaluated: 2018-01-13. Review status: criteria provided, single submitter. Criteria: ICSL Variant Classification Criteria 13 December 2019. Collection method: clinical testing. Allele origin: germline.
Comment: This variant was observed in the ICSL laboratory as part of a predisposition screen in an ostensibly healthy population. It had not been previously curated by ICSL or reported in the Human Gene Mutation Database (HGMD: prior to June 1st, 2018), and was therefore a candidate for classification through an automated scoring system. Utilizing variant allele frequency, disease prevalence and penetrance estimates, and inheritance mode, an automated score was calculated to assess if this variant is too frequent to cause the disease. Based on the score and internal cut-off values, a variant classified as benign is not then subjected to further curation. The score for this variant resulted in a classification of benign for this disease.

Breakthrough Genomics
Classification: Likely benign. Review status: criteria provided, single submitter. Criteria: ACMG Guidelines, 2015. Collection method: not provided. Allele origin: germline. Inheritance: Autosomal dominant inheritance. Affected: yes.

NM_000127.3(EXT1):c.1959G>A (p.Glu653=)

Gene: EXT1 (exostosin glycosyltransferase 1; minus strand). Cytogenetic location: 8q24.11.
Variant type: single nucleotide variant.
Coding change: c.1959G>A on transcript NM_000127.3 (MANE Select); coding-DNA position 1959, G replaced by A.
Protein change: p.Glu653=; no amino-acid change (glutamic acid 653 retained).
Molecular consequence: synonymous variant.
Genome position (GRCh38, 1-based): chr8:117,804,818, C>T on the plus strand (G>A on the coding strand, the complement: EXT1 is on the minus strand). VCF-style: chr8-117804818-C-T. GRCh37 (hg19) VCF-style: chr8-118817057-C-T.
Other names: p.Glu653=.
Identifiers: ClinVar variation 361653 (VCV000361653.20), dbSNP rs142710059, ClinGen allele CA4853974.